The following is an entry in ClinVar:

NM_012398.3(PIP5K1C):c.303C>T (p.Asp101=)

Gene: PIP5K1C (phosphatidylinositol-4-phosphate 5-kinase type 1 gamma; minus strand). Cytogenetic location: 19p13.3.
Variant type: single nucleotide variant.
Coding change: c.303C>T on transcript NM_012398.3 (MANE Select); coding-DNA position 303, C replaced by T.
Protein change: p.Asp101=; no amino-acid change (aspartic acid 101 retained).
Molecular consequence: synonymous variant.
Genome position (GRCh38, 1-based): chr19:3,661,918, G>A on the plus strand (C>T on the coding strand, the complement: PIP5K1C is on the minus strand). VCF-style: chr19-3661918-G-A. GRCh37 (hg19) VCF-style: chr19-3661916-G-A.
Other names: c.303C>T, p.Asp101= (NM_001195733.2, NM_001300849.2).
Identifiers: ClinVar variation 787568 (VCV000787568.27), dbSNP rs115136413, ClinGen allele CA9082732.

ClinVar aggregate classification (germline): Benign/Likely benign. Review status: criteria provided, multiple submitters, no conflicts (2 of 4 stars). 3 submissions from 3 submitters: Benign (2); Likely benign (1). Last evaluated 2026-07-01.

Allele frequency attached by ClinVar (database versions not stated): gnomAD exomes 0.00503 and 0.00576; gnomAD 0.00511 and 0.00525; 1000 Genomes Project 0.00220; ExAC 0.00588; ESP Exome Variant Server 0.00600; 1000 Genomes Project 30x 0.00234; TOPMed 0.00435.
gnomAD v4.1: 9,132 of 1,612,826 alleles (0.57%); highest among the groups gnomAD compares: Non-Finnish European, 0.68%; 41 homozygotes.

Submissions (3):

CeGaT Center for Human Genetics Tuebingen
Classification: Likely benign. Last evaluated: 2026-07-01. Review status: criteria provided, single submitter. Criteria: CeGaT Center For Human Genetics Tuebingen Variant Classification Criteria Version 2. Collection method: clinical testing. Allele origin: germline. Affected: yes. Observed: 6 variant alleles.
Comment: PIP5K1C: BP4, BP7, BS2

Labcorp Genetics (formerly Invitae), Labcorp
Classification: Benign. Last evaluated: 2026-02-02. Review status: criteria provided, single submitter. Criteria: Invitae Variant Classification Sherloc (09022015). Collection method: clinical testing. Allele origin: germline.

Breakthrough Genomics
Classification: Benign. Review status: criteria provided, single submitter. Criteria: ACMG Guidelines, 2015. Collection method: not provided. Allele origin: germline. Inheritance: Autosomal recessive inheritance. Affected: yes.